The following is an entry in ClinVar:

NM_001271.4(CHD2):c.3169del (p.Glu1057fs)

Gene: CHD2 (chromodomain helicase DNA binding protein 2; plus strand). Cytogenetic location: 15q26.1.
Variant type: Deletion.
Coding change: c.3169del on transcript NM_001271.4 (MANE Select); coding-DNA position 3169, one base deleted (G; older notation c.3169delG).
Protein change: p.Glu1057fs; shifts the reading frame from glutamic acid 1057.
Molecular consequence: frameshift variant.
Genome position (GRCh38, 1-based): chr15:92,984,432, G deleted; the last of 2 consecutive G bases (chr15:92,984,431-92,984,432); deleting either gives the same sequence. VCF-style (leftmost placement, unchanged base first): chr15-92984430-AG-A. GRCh37 (hg19) VCF-style: chr15-93527660-AG-A.
Other names: short protein forms E1057fs.
Identifiers: ClinVar variation 3663013 (VCV003663013.2).

ClinVar aggregate classification (germline): Pathogenic (1 of 4 stars; one submission).

Conditions:
Developmental and epileptic encephalopathy 94 (DEE94). Also called: CHD2-Related Neurodevelopmental Disorders; Epileptic encephalopathy, childhood-onset. Identifiers: Orphanet 1942, Orphanet 2382, MedGen C3809278, MONDO:0014150, OMIM 615369.

Submission:

Labcorp Genetics (formerly Invitae), Labcorp
Classification: Pathogenic for Developmental and epileptic encephalopathy 94. Last evaluated: 2024-08-31. Review status: criteria provided, single submitter. Criteria: Invitae Variant Classification Sherloc (09022015). Collection method: clinical testing. Allele origin: germline.
Comment: This sequence change creates a premature translational stop signal (p.Glu1057Argfs*8) in the CHD2 gene. It is expected to result in an absent or disrupted protein product. Loss-of-function variants in CHD2 are known to be pathogenic (PMID: 23708187, 24207121). This variant is not present in population databases (gnomAD no frequency). This variant has not been reported in the literature in individuals affected with CHD2-related conditions. For these reasons, this variant has been classified as Pathogenic.

Literature cited by the submitters: PubMed 23708187; PubMed 24207121.